The following is an entry in ClinVar:

NM_000152.5(GAA):c.108G>C (p.Leu36=)

Gene: GAA (alpha glucosidase; plus strand). Cytogenetic location: 17q25.3.
Variant type: single nucleotide variant.
Coding change: c.108G>C on transcript NM_000152.5 (MANE Select); coding-DNA position 108, G replaced by C.
Protein change: p.Leu36=; no amino-acid change (leucine 36 retained).
Molecular consequence: synonymous variant.
Genome position (GRCh38, 1-based): chr17:80,104,694, G>C. VCF-style: chr17-80104694-G-C. GRCh37 (hg19) VCF-style: chr17-78078493-G-C.
Other names: c.108G>C (LRG_673t1); c.108G>C, p.Leu36= (NM_001079803.3, NM_001079804.3).
Identifiers: ClinVar variation 512288 (VCV000512288.6), dbSNP rs1369758261, ClinGen allele CA502177096.

ClinVar aggregate classification (germline): Likely benign. Review status: criteria provided, multiple submitters, no conflicts (2 of 4 stars). 2 submissions from 2 submitters: Likely benign (2). Last evaluated 2025-04-17.

Conditions:
Glycogen storage disease, type II (IOPD). Also called: CARDIOMEGALIA GLYCOGENICA DIFFUSA; ACID ALPHA-GLUCOSIDASE DEFICIENCY, INFANTILE-ONSET; GAA DEFICIENCY, INFANTILE-ONSET; ACID MALTASE DEFICIENCY, INFANTILE-ONSET; Glucosidase acid-1,4-alpha deficiency; Pompe Disease. Identifiers: Orphanet 365, MedGen C0017921, MONDO:0009290, OMIM 232300.

Submissions (2):

Labcorp Genetics (formerly Invitae), Labcorp
Classification: Likely benign for Glycogen storage disease, type II. Last evaluated: 2025-04-17. Review status: criteria provided, single submitter. Criteria: Invitae Variant Classification Sherloc (09022015). Collection method: clinical testing. Allele origin: germline.

GeneDx
Classification: Likely benign. Last evaluated: 2017-10-13. Review status: criteria provided, single submitter. Criteria: GeneDx Variant Classification (06012015). Collection method: clinical testing. Allele origin: germline. Affected: yes.
Comment: This variant is considered likely benign or benign based on one or more of the following criteria: it is a conservative change, it occurs at a poorly conserved position in the protein, it is predicted to be benign by multiple in silico algorithms, and/or has population frequency not consistent with disease.